The following is an entry in ClinVar:

NM_004667.6(HERC2):c.11227C>T (p.Leu3743Phe)

Gene: HERC2 (HECT and RLD domain containing E3 ubiquitin protein ligase 2; minus strand). Cytogenetic location: 15q13.1.
Variant type: single nucleotide variant.
Coding change: c.11227C>T on transcript NM_004667.6 (MANE Select); coding-DNA position 11227, C replaced by T.
Protein change: p.Leu3743Phe; replaces leucine 3743 with phenylalanine.
Molecular consequence: missense variant.
Genome position (GRCh38, 1-based): chr15:28,144,149, G>A on the plus strand (C>T on the coding strand, the complement: HERC2 is on the minus strand). VCF-style: chr15-28144149-G-A. GRCh37 (hg19) VCF-style: chr15-28389295-G-A.
Other names: short protein forms L3743F.
Identifiers: ClinVar variation 3365514 (VCV003365514.1).

ClinVar aggregate classification (germline): Uncertain significance (1 of 4 stars; one submission).

gnomAD v4.1: 2 of 1,614,136 alleles (0.00012%); highest among the groups gnomAD compares: East Asian, 0.0022%; no homozygotes.

Submission:

GeneDx
Classification: Uncertain significance. Last evaluated: 2023-12-13. Review status: criteria provided, single submitter. Criteria: GeneDx Variant Classification Process June 2021. Collection method: clinical testing. Allele origin: germline. Affected: yes.
Comment: Not observed at significant frequency in large population cohorts (gnomAD); In silico analysis supports that this missense variant does not alter protein structure/function; Has not been previously published as pathogenic or benign to our knowledge